The following is an entry in ClinVar:

NM_001135649.3(FOXI3):c.721C>T (p.Arg241Cys)

Gene: FOXI3 (forkhead box I3; minus strand). Cytogenetic location: 2p11.2.
Variant type: single nucleotide variant.
Coding change: c.721C>T on transcript NM_001135649.3 (MANE Select); coding-DNA position 721, C replaced by T.
Protein change: p.Arg241Cys; replaces arginine 241 with cysteine.
Molecular consequence: missense variant.
Genome position (GRCh38, 1-based): chr2:88,448,749, G>A on the plus strand (C>T on the coding strand, the complement: FOXI3 is on the minus strand). VCF-style: chr2-88448749-G-A. GRCh37 (hg19) VCF-style: chr2-88748268-G-A.
Other names: short protein forms R241C.
Identifiers: ClinVar variation 3023006 (VCV003023006.5), dbSNP rs764032108, ClinGen allele CA1753998.

ClinVar aggregate classification (germline): Uncertain significance. Review status: criteria provided, multiple submitters, no conflicts (2 of 4 stars). 2 submissions from 2 submitters: Uncertain significance (2). Last evaluated 2025-07-29.

Allele frequency attached by ClinVar (database versions not stated): TOPMed below 0.00001; ExAC 0.00005.

Submissions (2):

Dasa
Classification: Uncertain significance. Last evaluated: 2025-07-29. Review status: criteria provided, single submitter. Criteria: DASA Assertion Criteria. Collection method: clinical testing. Allele origin: germline.
Comment: NM_001135649.3(FOXI3):c.721C>T (p.Arg241Cys) is a missense variant that results in the substitution of arginine with cysteine. The affected residue or protein region has prior evidence supporting clinical relevance. This variant is rare in population databases. The currently available literature and clinical evidence are not sufficient to establish a definitive association between this variant and the reported condition. Therefore, this variant is classified as a variant of uncertain significance.

Labcorp Genetics (formerly Invitae), Labcorp
Classification: Uncertain significance. Last evaluated: 2025-04-12. Review status: criteria provided, single submitter. Criteria: Invitae Variant Classification Sherloc (09022015). Collection method: clinical testing. Allele origin: germline.
Comment: This sequence change replaces arginine, which is basic and polar, with cysteine, which is neutral and slightly polar, at codon 241 of the FOXI3 protein (p.Arg241Cys). This variant is present in population databases (rs764032108, gnomAD 0.004%). This variant has not been reported in the literature in individuals affected with FOXI3-related conditions. ClinVar contains an entry for this variant (Variation ID: 3023006). Experimental studies and prediction algorithms are not available or were not evaluated, and the functional significance of this variant is currently unknown. In summary, the available evidence is currently insufficient to determine the role of this variant in disease. Therefore, it has been classified as a Variant of Uncertain Significance.